The following is an entry in ClinVar:

ClinVar aggregate classification (germline): Uncertain significance. Review status: criteria provided, multiple submitters, no conflicts (2 of 4 stars). 3 submissions from 3 submitters: Uncertain significance (3). Last evaluated 2026-08-28.

Conditions:
ANKRD1-related dilated cardiomyopathy. Identifiers: MedGen CN119551.
ANKRD1-related disorder. Also called: ANKRD1-related condition.
Cardiovascular phenotype. Identifiers: MedGen CN230736.

Allele frequency attached by ClinVar (database versions not stated): gnomAD 0.00001; TOPMed 0.00001; gnomAD exomes 0.00003.
gnomAD v4.1: 22 of 1,613,574 alleles (0.0014%); highest among the groups gnomAD compares: Non-Finnish European, 0.0018%; no homozygotes.

Submissions (3):

PreventionGenetics, part of Exact Sciences
Classification: Uncertain significance for ANKRD1-related condition. Last evaluated: 2026-08-28. Review status: criteria provided, single submitter. Criteria: ACMG Guidelines, 2015. Collection method: clinical testing. Allele origin: germline.
Comment: The ANKRD1 c.701G>C variant is predicted to result in the amino acid substitution p.Cys234Ser. To our knowledge, this variant has not been reported in the literature or in a large population database (gnomAD), indicating this variant is rare. At this time, the clinical significance of this variant is uncertain due to the absence of conclusive functional and genetic evidence.

Ambry Genetics
Classification: Uncertain significance for Cardiovascular phenotype. Last evaluated: 2024-11-03. Review status: criteria provided, single submitter. Criteria: Ambry Variant Classification Scheme 2023. Collection method: clinical testing. Allele origin: germline.
Comment: The p.C234S variant (also known as c.701G>C), located in coding exon 7 of the ANKRD1 gene, results from a G to C substitution at nucleotide position 701. The cysteine at codon 234 is replaced by serine, an amino acid with dissimilar properties. This amino acid position is conserved. In addition, the in silico prediction for this alteration is inconclusive. Based on the available evidence, the clinical significance of this variant remains unclear.

Labcorp Genetics (formerly Invitae), Labcorp
Classification: Uncertain significance for ANKRD1-related dilated cardiomyopathy. Last evaluated: 2022-10-29. Review status: criteria provided, single submitter. Criteria: Invitae Variant Classification Sherloc (09022015). Collection method: clinical testing. Allele origin: germline.
Comment: In summary, the available evidence is currently insufficient to determine the role of this variant in disease. Therefore, it has been classified as a Variant of Uncertain Significance. Advanced modeling of protein sequence and biophysical properties (such as structural, functional, and spatial information, amino acid conservation, physicochemical variation, residue mobility, and thermodynamic stability) has been performed at Invitae for this missense variant, however the output from this modeling did not meet the statistical confidence thresholds required to predict the impact of this variant on ANKRD1 protein function. This variant has not been reported in the literature in individuals affected with ANKRD1-related conditions. This variant is not present in population databases (gnomAD no frequency). This sequence change replaces cysteine, which is neutral and slightly polar, with serine, which is neutral and polar, at codon 234 of the ANKRD1 protein (p.Cys234Ser).

NM_014391.3(ANKRD1):c.701G>C (p.Cys234Ser)

Gene: ANKRD1 (ankyrin repeat domain 1; minus strand). Cytogenetic location: 10q23.31.
Variant type: single nucleotide variant.
Coding change: c.701G>C on transcript NM_014391.3 (MANE Select); coding-DNA position 701, G replaced by C.
Protein change: p.Cys234Ser; replaces cysteine 234 with serine.
Molecular consequence: missense variant.
Genome position (GRCh38, 1-based): chr10:90,915,831, C>G on the plus strand (G>C on the coding strand, the complement: ANKRD1 is on the minus strand). VCF-style: chr10-90915831-C-G. GRCh37 (hg19) VCF-style: chr10-92675588-C-G.
Other names: short protein forms C234S.
Identifiers: ClinVar variation 2726962 (VCV002726962.5), dbSNP rs1478559064, ClinGen allele CA377550295.